The following is an entry in ClinVar:

NM_199420.4(POLQ):c.1811C>G (p.Thr604Arg)

Gene: POLQ (DNA polymerase theta; minus strand). Cytogenetic location: 3q13.33.
Variant type: single nucleotide variant.
Coding change: c.1811C>G on transcript NM_199420.4 (MANE Select); coding-DNA position 1811, C replaced by G.
Protein change: p.Thr604Arg; replaces threonine 604 with arginine.
Molecular consequence: missense variant.
Genome position (GRCh38, 1-based): chr3:121,510,044, G>C on the plus strand (C>G on the coding strand, the complement: POLQ is on the minus strand). VCF-style: chr3-121510044-G-C. GRCh37 (hg19) VCF-style: chr3-121228891-G-C.
Other names: short protein forms T604R.
Identifiers: ClinVar variation 1780593 (VCV001780593.2), dbSNP rs2546802508, ClinGen allele CA354114232.
Genomic context (GRCh38, chr3:121,510,044, plus strand): 5'-CAACCTCACTAAAGAAGAAAAAGTGAGTAAATTGCAACTGAGAAGTCACACTTACCTTCT[G>C]TTCCATCACTGGCTTCTGTACTCTGGATGAATTCATTTTCTAGTAGCCACATCACACAGG-3'
Protein context (NP_955452.3, residues 594-614): FIQSTEASDG[Thr604Arg]EGKVYHPTHL

ClinVar aggregate classification (germline): Uncertain significance (1 of 4 stars; one submission).

Submission:

Ambry Genetics
Classification: Uncertain significance. Last evaluated: 2021-11-07. Review status: criteria provided, single submitter. Criteria: Ambry Variant Classification Scheme 2023. Collection method: clinical testing. Allele origin: germline.
Comment: The p.T604R variant (also known as c.1811C>G), located in coding exon 11 of the POLQ gene, results from a C to G substitution at nucleotide position 1811. The threonine at codon 604 is replaced by arginine, an amino acid with similar properties. This amino acid position is conserved. In addition, this alteration is predicted to be tolerated by in silico analysis. Since supporting evidence is limited at this time, the clinical significance of this alteration remains unclear.